The following is an entry in ClinVar:

NM_176824.3(BBS7):c.1411T>A (p.Tyr471Asn)

Gene: BBS7 (Bardet-Biedl syndrome 7; minus strand). Cytogenetic location: 4q27.
Variant type: single nucleotide variant.
Coding change: c.1411T>A on transcript NM_176824.3 (MANE Select); coding-DNA position 1411, T replaced by A.
Protein change: p.Tyr471Asn; replaces tyrosine 471 with asparagine.
Molecular consequence: missense variant.
Genome position (GRCh38, 1-based): chr4:121,835,244, A>T on the plus strand (T>A on the coding strand, the complement: BBS7 is on the minus strand). VCF-style: chr4-121835244-A-T. GRCh37 (hg19) VCF-style: chr4-122756399-A-T.
Other names: c.1411T>A, p.Tyr471Asn (NM_018190.4); short protein forms Y471N.
Identifiers: ClinVar variation 4991635 (VCV004991635.1).

ClinVar aggregate classification (germline): Uncertain significance (1 of 4 stars; one submission).

Conditions:
BBS7-related disorder. Also called: BBS7-related condition.

Submission:

PreventionGenetics, part of Exact Sciences
Classification: Uncertain significance for BBS7-related condition. Last evaluated: 2026-06-16. Review status: criteria provided, single submitter. Criteria: ACMG Guidelines, 2015. Collection method: clinical testing. Allele origin: germline.
Comment: The BBS7 c.1411T>A variant is predicted to result in the amino acid substitution p.Tyr471Asn. To our knowledge, this variant has not been reported in the literature or in a large population database (gnomAD), indicating this variant is rare. At this time, the clinical significance of this variant is uncertain due to the absence of conclusive functional and genetic evidence.